The following is an entry in ClinVar:

ClinVar aggregate classification (germline): Uncertain significance (1 of 4 stars; one submission).

gnomAD v4.1: 7 of 1,611,376 alleles (0.00043%); highest among the groups gnomAD compares: South Asian, 0.0011%; no homozygotes.

Submission:

GeneDx
Classification: Uncertain significance. Last evaluated: 2023-11-22. Review status: criteria provided, single submitter. Criteria: GeneDx Variant Classification Process June 2021. Collection method: clinical testing. Allele origin: germline. Affected: yes.
Comment: Not observed at significant frequency in large population cohorts (gnomAD); In silico analysis supports that this missense variant has a deleterious effect on protein structure/function; Has not been previously published as pathogenic or benign to our knowledge

NM_004713.6(NEMF):c.1762C>T (p.Arg588Trp)

Gene: NEMF (nuclear export mediator factor; minus strand). Cytogenetic location: 14q21.3.
Variant type: single nucleotide variant.
Coding change: c.1762C>T on transcript NM_004713.6 (MANE Select); coding-DNA position 1762, C replaced by T.
Protein change: p.Arg588Trp; replaces arginine 588 with tryptophan.
Molecular consequence: missense variant.
Genome position (GRCh38, 1-based): chr14:49,806,116, G>A on the plus strand (C>T on the coding strand, the complement: NEMF is on the minus strand). VCF-style: chr14-49806116-G-A. GRCh37 (hg19) VCF-style: chr14-50272834-G-A.
Other names: c.1699C>T, p.Arg567Trp (NM_001301732.3); short protein forms R567W, R588W.
Identifiers: ClinVar variation 3364860 (VCV003364860.1).
Genomic context (GRCh38, chr14:49,806,116, plus strand): 5'-CTCGTGCATCCCAAGCAGCACTGTAGCAAAGTGCCATTGTGCCAGCTTCAGTCAAGGTCC[G>A]TGGGGGGATGGGTTCTCCTAGAATAACAATGCATAATGTTTCAATACCAAAGTATGGACT-3'
Protein context (NP_004704.3, residues 578-598): KNPTGEPIPP[Arg588Trp]TLTEAGTMAL